The following is an entry in ClinVar:

NM_012062.5(DNM1L):c.1834A>C (p.Ile612Leu)

Gene: DNM1L (dynamin 1 like; plus strand). Cytogenetic location: 12p11.21.
Variant type: single nucleotide variant.
Coding change: c.1834A>C on transcript NM_012062.5 (MANE Select); coding-DNA position 1834, A replaced by C.
Protein change: p.Ile612Leu; replaces isoleucine 612 with leucine.
Molecular consequence: missense variant.
Genome position (GRCh38, 1-based): chr12:32,740,190, A>C. VCF-style: chr12-32740190-A-C. GRCh37 (hg19) VCF-style: chr12-32893124-A-C.
Other names: c.1801A>C, p.Ile601Leu (NM_001278463.2); c.1873A>C, p.Ile625Leu (NM_001278464.2); c.1840A>C, p.Ile614Leu (NM_001278465.2); c.1225A>C, p.Ile409Leu (NM_001278466.2); c.1762A>C, p.Ile588Leu (NM_001330380.2); c.1723A>C, p.Ile575Leu (NM_005690.5); c.1756A>C, p.Ile586Leu (NM_012063.4); c.1834A>C (NM_012062.3); short protein forms I601L, I612L, I614L, I625L, I409L, I575L, I586L, I588L.
Identifiers: ClinVar variation 1346288 (VCV001346288.9), dbSNP rs138133550, ClinGen allele CA384363037.
Genomic context (GRCh38, chr12:32,740,190, plus strand): 5'-ATGCTGAAAACTTCAAAAGCTGAAGAGTTATTAGCAGAAGAAAAATCAAAACCCATTCCA[A>C]TTATGCCAGCCAGTCCACAAAAAGGTCATGCCGTGAACCTGCTAGATGTGGTAAGCCATG-3'
Protein context (NP_036192.2, residues 602-622): LAEEKSKPIP[Ile612Leu]MPASPQKGHA

ClinVar aggregate classification (germline): Uncertain significance. Review status: criteria provided, multiple submitters, no conflicts (2 of 4 stars). 2 submissions from 2 submitters: Uncertain significance (2). Last evaluated 2025-08-07.

Conditions:
Inborn genetic diseases. Identifiers: MedGen C0950123, MeSH D030342.

gnomAD v4.1: 1 of 1,614,186 alleles (0.000062%); highest among the groups gnomAD compares: African/African-American, 0.0013%; no homozygotes.

Submissions (2):

Ambry Genetics
Classification: Uncertain significance for Inborn genetic diseases. Last evaluated: 2025-08-07. Review status: criteria provided, single submitter. Criteria: Ambry Variant Classification Scheme 2023. Collection method: clinical testing. Allele origin: germline.

Labcorp Genetics (formerly Invitae), Labcorp
Classification: Uncertain significance. Last evaluated: 2023-09-06. Review status: criteria provided, single submitter. Criteria: Invitae Variant Classification Sherloc (09022015). Collection method: clinical testing. Allele origin: germline.
Comment: In summary, the available evidence is currently insufficient to determine the role of this variant in disease. Therefore, it has been classified as a Variant of Uncertain Significance. An algorithm developed to predict the effect of missense changes on protein structure and function (PolyPhen-2) suggests that this variant is likely to be tolerated. ClinVar contains an entry for this variant (Variation ID: 1346288). This variant has not been reported in the literature in individuals affected with DNM1L-related conditions. This variant is not present in population databases (gnomAD no frequency). This sequence change replaces isoleucine, which is neutral and non-polar, with leucine, which is neutral and non-polar, at codon 612 of the DNM1L protein (p.Ile612Leu).